The following is an entry in ClinVar:

NM_004484.4(GPC3):c.287C>T (p.Ala96Val)

Gene: GPC3 (glypican 3; minus strand). Cytogenetic location: Xq26.2.
Variant type: single nucleotide variant.
Coding change: c.287C>T on transcript NM_004484.4 (MANE Select); coding-DNA position 287, C replaced by T.
Protein change: p.Ala96Val; replaces alanine 96 with valine.
Molecular consequence: missense variant. On other transcripts: intron variant (1).
Genome position (GRCh38, 1-based): chrX:133,953,100, G>A on the plus strand (C>T on the coding strand, the complement: GPC3 is on the minus strand). VCF-style: chrX-133953100-G-A. GRCh37 (hg19) VCF-style: chrX-133087127-G-A.
Other names: c.287C>T, p.Ala96Val (NM_001164617.2, NM_001164618.2); c.175+32175C>T (NM_001164619.2); short protein forms A96V.
Identifiers: ClinVar variation 2100369 (VCV002100369.4), dbSNP rs2521895357, ClinGen allele CA414707373.

ClinVar aggregate classification (germline): Uncertain significance (1 of 4 stars; one submission).

Conditions:
Wilms tumor 1 (WT1). Also called: Wilms tumor, somatic. Identifiers: Orphanet 654, MedGen CN033288, MONDO:0008679, OMIM 194070.

Submission:

Labcorp Genetics (formerly Invitae), Labcorp
Classification: Uncertain significance for Wilms tumor 1. Last evaluated: 2022-02-25. Review status: criteria provided, single submitter. Criteria: Invitae Variant Classification Sherloc (09022015). Collection method: clinical testing. Allele origin: germline.
Comment: In summary, the available evidence is currently insufficient to determine the role of this variant in disease. Therefore, it has been classified as a Variant of Uncertain Significance. Algorithms developed to predict the effect of sequence changes on RNA splicing suggest that this variant may disrupt the consensus splice site. Algorithms developed to predict the effect of missense changes on protein structure and function (SIFT, PolyPhen-2, Align-GVGD) all suggest that this variant is likely to be tolerated. This variant has not been reported in the literature in individuals affected with GPC3-related conditions. This variant is not present in population databases (gnomAD no frequency). This sequence change replaces alanine, which is neutral and non-polar, with valine, which is neutral and non-polar, at codon 96 of the GPC3 protein (p.Ala96Val).